The following is an entry in ClinVar:

ClinVar aggregate classification (germline): Uncertain significance. Review status: criteria provided, multiple submitters, no conflicts (2 of 4 stars). 2 submissions from 2 submitters: Uncertain significance (2). Last evaluated 2025-07-27.

Allele frequency attached by ClinVar (database versions not stated): gnomAD exomes below 0.00001 and 0.00001; gnomAD 0.00001; TOPMed 0.00001.
gnomAD v4.1: 4 of 1,614,020 alleles (0.00025%); highest among the groups gnomAD compares: Non-Finnish European, 0.00034%; no homozygotes.

Submissions (2):

Labcorp Genetics (formerly Invitae), Labcorp
Classification: Uncertain significance. Last evaluated: 2025-07-27. Review status: criteria provided, single submitter. Criteria: Invitae Variant Classification Sherloc (09022015). Collection method: clinical testing. Allele origin: germline.
Comment: This sequence change replaces asparagine, which is neutral and polar, with serine, which is neutral and polar, at codon 885 of the FLNB protein (p.Asn885Ser). This variant is present in population databases (no rsID available, gnomAD 0.0009%). This variant has not been reported in the literature in individuals affected with FLNB-related conditions. ClinVar contains an entry for this variant (Variation ID: 282959). Invitae Evidence Modeling of protein sequence and biophysical properties (such as structural, functional, and spatial information, amino acid conservation, physicochemical variation, residue mobility, and thermodynamic stability) indicates that this missense variant is not expected to disrupt FLNB protein function with a negative predictive value of 95%. In summary, the available evidence is currently insufficient to determine the role of this variant in disease. Therefore, it has been classified as a Variant of Uncertain Significance.

Eurofins Ntd Llc (ga)
Classification: Uncertain significance. Last evaluated: 2015-09-02. Review status: criteria provided, single submitter. Criteria: EGL Classification Definitions 2015. Collection method: clinical testing. Allele origin: germline. Observed: 1 variant allele, 1 heterozygote.

NM_001457.4(FLNB):c.2654A>G (p.Asn885Ser)

Gene: FLNB (filamin B; plus strand). Cytogenetic location: 3p14.3.
Variant type: single nucleotide variant.
Coding change: c.2654A>G on transcript NM_001457.4 (MANE Select); coding-DNA position 2654, A replaced by G.
Protein change: p.Asn885Ser; replaces asparagine 885 with serine.
Molecular consequence: missense variant.
Genome position (GRCh38, 1-based): chr3:58,112,227, A>G. VCF-style: chr3-58112227-A-G. GRCh37 (hg19) VCF-style: chr3-58097954-A-G.
Other names: c.2654A>G, p.Asn885Ser (NM_001164317.2, NM_001164318.2, NM_001164319.2); short protein forms N885S.
Identifiers: ClinVar variation 282959 (VCV000282959.6), dbSNP rs886042526, ClinGen allele CA10604353.